The following is an entry in ClinVar:

ClinVar aggregate classification (germline): Uncertain significance (1 of 4 stars; one submission).

Allele frequency attached by ClinVar (database versions not stated): gnomAD 0.00001; gnomAD exomes 0.00002; ExAC 0.00004; TOPMed 0.00004.
gnomAD v4.1: 23 of 1,612,616 alleles (0.0014%); highest among the groups gnomAD compares: East Asian, 0.047%; no homozygotes.

Submission:

Labcorp Genetics (formerly Invitae), Labcorp
Classification: Uncertain significance. Last evaluated: 2025-06-15. Review status: criteria provided, single submitter. Criteria: Invitae Variant Classification Sherloc (09022015). Collection method: clinical testing. Allele origin: germline.
Comment: This sequence change replaces aspartic acid, which is acidic and polar, with histidine, which is basic and polar, at codon 133 of the NDUFA9 protein (p.Asp133His). This variant is present in population databases (rs768716729, gnomAD 0.05%). This variant has not been reported in the literature in individuals affected with NDUFA9-related conditions. ClinVar contains an entry for this variant (Variation ID: 1985065). An algorithm developed to predict the effect of missense changes on protein structure and function (PolyPhen-2) suggests that this variant is likely to be disruptive. In summary, the available evidence is currently insufficient to determine the role of this variant in disease. Therefore, it has been classified as a Variant of Uncertain Significance.

NM_005002.5(NDUFA9):c.397G>C (p.Asp133His)

Gene: NDUFA9 (NADH:ubiquinone oxidoreductase subunit A9; plus strand). Cytogenetic location: 12p13.32.
Variant type: single nucleotide variant.
Coding change: c.397G>C on transcript NM_005002.5 (MANE Select); coding-DNA position 397, G replaced by C.
Protein change: p.Asp133His; replaces aspartic acid 133 with histidine.
Molecular consequence: missense variant.
Genome position (GRCh38, 1-based): chr12:4,657,826, G>C. VCF-style: chr12-4657826-G-C. GRCh37 (hg19) VCF-style: chr12-4766992-G-C.
Other names: short protein forms D133H.
Identifiers: ClinVar variation 1985065 (VCV001985065.4), dbSNP rs768716729, ClinGen allele CA6398086.